The following is an entry in ClinVar:

ClinVar aggregate classification (germline): Benign (0 of 4 stars; one submission).

Conditions:
GAB1-related disorder. Also called: GAB1-related condition.

Allele frequency attached by ClinVar (database versions not stated): ExAC 0.00235; ESP Exome Variant Server 0.00263; 1000 Genomes Project 30x 0.00312; 1000 Genomes Project 0.00339; gnomAD 0.00354; TOPMed 0.00397.
gnomAD v4.1: 1,074 of 1,583,246 alleles (0.068%); highest among the groups gnomAD compares: African/African-American, 1.2%; 7 homozygotes.

Submission:

PreventionGenetics, part of Exact Sciences
Classification: Benign for GAB1-related condition. Last evaluated: 2019-04-24. Review status: no assertion criteria provided. Collection method: clinical testing. Allele origin: germline.
Comment: This variant is classified as benign based on ACMG/AMP sequence variant interpretation guidelines (Richards et al. 2015 PMID: 25741868, with internal and published modifications).

NM_002039.4(GAB1):c.51G>C (p.Pro17=)

Gene: GAB1 (GRB2 associated binding protein 1; plus strand). Cytogenetic location: 4q31.21.
Variant type: single nucleotide variant.
Coding change: c.51G>C on transcript NM_002039.4 (MANE Select); coding-DNA position 51, G replaced by C.
Protein change: p.Pro17=; no amino-acid change (proline 17 retained).
Molecular consequence: synonymous variant.
Genome position (GRCh38, 1-based): chr4:143,337,239, G>C. VCF-style: chr4-143337239-G-C. GRCh37 (hg19) VCF-style: chr4-144258392-G-C.
Other names: c.51G>C, p.Pro17= (NM_207123.3).
Identifiers: ClinVar variation 3052380 (VCV003052380.2), dbSNP rs147010310, ClinGen allele CA3090342.
Genomic context (GRCh38, chr4:143,337,239, plus strand): 5'-CGCGCGCACCATGAGCGGTGGTGAAGTGGTCTGCTCCGGATGGCTCCGCAAGTCCCCCCC[G>C]GAGAAAAAGTTGAAGCGTTATGTAAGTAGAGCTGCGGGCACCACTCCGCGGGCCTCGGCG-3'
Protein context (NP_002030.2, residues 7-27): VCSGWLRKSP[Pro17=]EKKLKRYAWK